The following is an entry in ClinVar:

NM_004006.3(DMD):c.10619C>T (p.Pro3540Leu)

Gene: DMD (dystrophin; minus strand). Cytogenetic location: Xp21.2.
Variant type: single nucleotide variant.
Coding change: c.10619C>T on transcript NM_004006.3 (MANE Select); coding-DNA position 10619, C replaced by T.
Protein change: p.Pro3540Leu; replaces proline 3540 with leucine.
Molecular consequence: missense variant.
Genome position (GRCh38, 1-based): chrX:31,147,453, G>A on the plus strand (C>T on the coding strand, the complement: DMD is on the minus strand). VCF-style: chrX-31147453-G-A. GRCh37 (hg19) VCF-style: chrX-31165570-G-A.
Other names: c.10595C>T, p.Pro3532Leu (NM_000109.4); c.10607C>T, p.Pro3536Leu (NM_004009.3); c.10250C>T, p.Pro3417Leu (NM_004010.3); c.6596C>T, p.Pro2199Leu (NM_004011.4); c.6587C>T, p.Pro2196Leu (NM_004012.4); c.3239C>T, p.Pro1080Leu (NM_004013.3, NM_004021.3); c.2432C>T, p.Pro811Leu (NM_004014.3); c.1415C>T, p.Pro472Leu (NM_004015.3, NM_004016.3); and 3 more; short protein forms P1067L, P1080L, P2196L, P2199L, P3417L, P3532L, P3536L, P3540L.
Identifiers: ClinVar variation 1122887 (VCV001122887.17), dbSNP rs747236323, ClinGen allele CA10377557.

ClinVar aggregate classification (germline): Likely benign. Review status: criteria provided, multiple submitters, no conflicts (2 of 4 stars). 2 submissions from 2 submitters: Likely benign (2). Last evaluated 2025-11-12.

Conditions:
Duchenne muscular dystrophy (DMD). Also called: MUSCULAR DYSTROPHY, PSEUDOHYPERTROPHIC PROGRESSIVE, DUCHENNE TYPE; Duchenne Muscular Dystrophy (DMD). Identifiers: Orphanet 98896, MedGen C0013264, MONDO:0010679, OMIM 310200.

Allele frequency attached by ClinVar (database versions not stated): gnomAD 0.00001; TOPMed 0.00003; ExAC 0.00004; gnomAD exomes 0.00004 and 0.00005.
gnomAD v4.1: 46 of 1,201,749 alleles (0.0038%); highest among the groups gnomAD compares: East Asian, 0.086%; 1 homozygote.

Submissions (2):

Labcorp Genetics (formerly Invitae), Labcorp
Classification: Likely benign for Duchenne muscular dystrophy. Last evaluated: 2025-11-12. Review status: criteria provided, single submitter. Criteria: Invitae Variant Classification Sherloc (09022015). Collection method: clinical testing. Allele origin: germline.

CeGaT Center for Human Genetics Tuebingen
Classification: Likely benign. Last evaluated: 2025-08-01. Review status: criteria provided, single submitter. Criteria: CeGaT Center For Human Genetics Tuebingen Variant Classification Criteria Version 2. Collection method: clinical testing. Allele origin: germline. Affected: yes. Observed: 1 variant allele.
Comment: DMD: BS2